The following is an entry in ClinVar:

NM_018117.12(WDR11):c.1714G>A (p.Glu572Lys)

Gene: WDR11 (WD repeat domain 11; plus strand). Cytogenetic location: 10q26.12.
Variant type: single nucleotide variant.
Coding change: c.1714G>A on transcript NM_018117.12 (MANE Select); coding-DNA position 1714, G replaced by A.
Protein change: p.Glu572Lys; replaces glutamic acid 572 with lysine.
Molecular consequence: missense variant.
Genome position (GRCh38, 1-based): chr10:120,880,876, G>A. VCF-style: chr10-120880876-G-A. GRCh37 (hg19) VCF-style: chr10-122640388-G-A.
Other names: short protein forms E572K.
Identifiers: ClinVar variation 3376642 (VCV003376642.1).

ClinVar aggregate classification (germline): Uncertain significance (1 of 4 stars; one submission).

Conditions:
Hypogonadotropic hypogonadism 14 with or without anosmia (HH14). Also called: HYPOGONADOTROPIC HYPOGONADISM 14 WITHOUT ANOSMIA. Identifiers: Orphanet 478, MedGen C3540450, MONDO:0013926, OMIM 614858.

gnomAD v4.1: 19 of 1,602,902 alleles (0.0012%); highest among the groups gnomAD compares: South Asian, 0.0045%; no homozygotes.

Submission:

Victorian Clinical Genetics Services, Murdoch Childrens Research Institute
Classification: Uncertain significance for Hypogonadotropic hypogonadism 14 with or without anosmia. Last evaluated: 2022-03-31. Review status: criteria provided, single submitter. Criteria: ACMG Guidelines, 2015. Collection method: clinical testing. Allele origin: germline. Inheritance: Autosomal dominant inheritance.
Comment: Based on the classification scheme VCGS_Germline_v1.3.4, this variant is classified as VUS-3C. Following criteria are met: 0102 - Loss of function is a known mechanism of disease in this gene and is associated with WDR11-related conditions (PMID: 34413497). (I) 0108 - This gene is associated with both recessive and dominant disease. Autosomal dominant inheritance is associated with hypogonadotropic hypogonadism 14 with or without anosmia (MIM#614858), while autosomal recessive inheritance has recently been associated with a new phenotype involving intellectual disability, microcephaly, and short stature (PMID: 34413497). (I) 0112 - Variants in this gene are known to have reduced penetrance (PMID: 29263200). (I) 0200 - Variant is predicted to result in a missense amino acid change from glutamic acid to lysine. (I) 0251 - This variant is heterozygous. (I) 0302 - Variant is present in gnomAD (v2) <0.001 for a dominant condition (3 heterozygotes, 0 homozygotes). (SP) 0504 - Same amino acid change has been observed in placental mammals. (SB) 0604 - Variant is not located in an established domain, motif, hotspot or informative constraint region. (I) 0705 - No comparable missense variants have previous evidence for pathogenicity. (I) 0807 - This variant has no previous evidence of pathogenicity. (I) 0905 - No published segregation evidence has been identified for this variant. (I) 1007 - No published functional evidence has been identified for this variant. (I) 1208 - Inheritance information for this variant is not currently available in this individual. (I) Legend: (SP) - Supporting pathogenic, (I) - Information, (SB) - Supporting benign

Literature cited by the submitters: PubMed 29263200; PubMed 34413497.